The following is an entry in ClinVar:

ClinVar aggregate classification (germline): Pathogenic/Likely pathogenic. Review status: criteria provided, multiple submitters, no conflicts (2 of 4 stars). 2 submissions from 2 submitters: Pathogenic (1); Likely pathogenic (1). Last evaluated 2022-01-01.

Conditions:
Nemaline myopathy 9 (NEM9). Identifiers: MedGen C3810384, MONDO:0014326, OMIM 615731.

Submissions (2):

Labcorp Genetics (formerly Invitae), Labcorp
Classification: Pathogenic for Nemaline myopathy 9. Last evaluated: 2022-01-01. Review status: criteria provided, single submitter. Criteria: Invitae Variant Classification Sherloc (09022015). Collection method: clinical testing. Allele origin: germline.
Comment: This sequence change creates a premature translational stop signal (p.Lys72Argfs*3) in the KLHL41 gene. It is expected to result in an absent or disrupted protein product. Loss-of-function variants in KLHL41 are known to be pathogenic (PMID: 24268659). This variant is not present in population databases (gnomAD no frequency). This variant has not been reported in the literature in individuals affected with KLHL41-related conditions. ClinVar contains an entry for this variant (Variation ID: 1324627). For these reasons, this variant has been classified as Pathogenic.

Revvity Omics, Revvity
Classification: Likely pathogenic for Nemaline myopathy 9. Last evaluated: 2020-09-21. Review status: criteria provided, single submitter. Criteria: ACMG Guidelines, 2015. Collection method: clinical testing. Allele origin: germline.

Literature cited by the submitters: PubMed 24268659 (cited by Labcorp Genetics (formerly Invitae), Labcorp).

NM_006063.3(KLHL41):c.215del (p.Lys72fs)

Gene: KLHL41 (kelch like family member 41; plus strand). Cytogenetic location: 2q31.1.
Variant type: Deletion.
Coding change: c.215del on transcript NM_006063.3 (MANE Select); coding-DNA position 215, one base deleted (A; older notation c.215delA).
Protein change: p.Lys72fs; shifts the reading frame from lysine 72.
Molecular consequence: frameshift variant.
Genome position (GRCh38, 1-based): chr2:169,509,993, A deleted; the last of 8 consecutive A bases (chr2:169,509,986-169,509,993); deleting any one gives the same sequence. VCF-style (leftmost placement, unchanged base first): chr2-169509985-GA-G. GRCh37 (hg19) VCF-style: chr2-170366495-GA-G.
Other names: short protein forms K72fs.
Identifiers: ClinVar variation 1324627 (VCV001324627.8), dbSNP rs775513051, ClinGen allele CA429988799.